The following is an entry in ClinVar:

NM_003072.5(SMARCA4):c.1323C>T (p.Arg441=)

Gene: SMARCA4 (SWI/SNF related BAF chromatin remodeling complex subunit ATPase 4; plus strand). Cytogenetic location: 19p13.2.
Variant type: single nucleotide variant.
Coding change: c.1323C>T on transcript NM_003072.5 (MANE Select); coding-DNA position 1323, C replaced by T.
Protein change: p.Arg441=; no amino-acid change (arginine 441 retained).
Molecular consequence: synonymous variant. On other transcripts: non-coding transcript variant (1).
Genome position (GRCh38, 1-based): chr19:10,991,227, C>T. VCF-style: chr19-10991227-C-T. GRCh37 (hg19) VCF-style: chr19-11101903-C-T.
Other names: c.1323C>T, p.Arg441= (NM_001128844.3, NM_001128845.2, NM_001128846.2 and 6 more transcripts).
Identifiers: ClinVar variation 2018031 (VCV002018031.13), dbSNP rs2145879994, ClinGen allele CA505490105.

ClinVar aggregate classification (germline): Likely benign. Review status: criteria provided, multiple submitters, no conflicts (2 of 4 stars). 3 submissions from 3 submitters: Likely benign (3). Last evaluated 2025-08-01.

Conditions:
Rhabdoid tumor predisposition syndrome 2 (RTPS2). Identifiers: Orphanet 231108, Orphanet 69077, MedGen C2750074, MONDO:0013224, OMIM 613325.

Submissions (3):

CeGaT Center for Human Genetics Tuebingen
Classification: Likely benign. Last evaluated: 2025-08-01. Review status: criteria provided, single submitter. Criteria: CeGaT Center For Human Genetics Tuebingen Variant Classification Criteria Version 2. Collection method: clinical testing. Allele origin: germline. Affected: yes. Observed: 1 variant allele.
Comment: SMARCA4: PM2:Supporting, BP4, BP7

Labcorp Genetics (formerly Invitae), Labcorp
Classification: Likely benign for Rhabdoid tumor predisposition syndrome 2. Last evaluated: 2022-08-02. Review status: criteria provided, single submitter. Criteria: Invitae Variant Classification Sherloc (09022015). Collection method: clinical testing. Allele origin: germline.

Blueprint Genetics
Classification: Likely benign. Last evaluated: 2020-04-08. Review status: criteria provided, single submitter. Criteria: ACMG Guidelines, 2015. Collection method: clinical testing. Allele origin: germline.